The following is an entry in ClinVar:

NM_000059.4(BRCA2):c.1729G>C (p.Ala577Pro)

Gene: BRCA2 (BRCA2 DNA repair associated; plus strand). Cytogenetic location: 13q13.1.
Variant type: single nucleotide variant.
Coding change: c.1729G>C on transcript NM_000059.4 (MANE Select); coding-DNA position 1729, G replaced by C.
Protein change: p.Ala577Pro; replaces alanine 577 with proline.
Molecular consequence: missense variant.
Genome position (GRCh38, 1-based): chr13:32,333,207, G>C. VCF-style: chr13-32333207-G-C. GRCh37 (hg19) VCF-style: chr13-32907344-G-C.
Other names: c.1729G>C, p.Ala577Pro (NM_001406719.1, NM_001406720.1, NM_001406721.1); short protein forms A577P.
Identifiers: ClinVar variation 1778927 (VCV001778927.4), dbSNP rs2072420568, ClinGen allele CA387765379.

ClinVar aggregate classification (germline): Conflicting classifications of pathogenicity. Review status: criteria provided, conflicting classifications (1 of 4 stars). 2 submissions from 2 submitters: Uncertain significance (1); Likely benign (1). Last evaluated 2023-03-23.

Conditions:
Hereditary cancer-predisposing syndrome. Also called: Neoplastic Syndromes, Hereditary; Tumor predisposition; Hereditary Cancer Syndrome; Hereditary neoplastic syndrome. Identifiers: Orphanet 140162, MedGen C0027672, MeSH D009386, MONDO:0015356.

gnomAD v4.1: 1 of 1,613,548 alleles (0.000062%); highest among the groups gnomAD compares: South Asian, 0.0011%; no homozygotes.

Submissions (2):

University of Washington Department of Laboratory Medicine, University of Washington
Classification: Likely benign for Hereditary cancer-predisposing syndrome. Last evaluated: 2023-03-23. Review status: criteria provided, single submitter. Criteria: Dines et al. (Genet Med. 2020). Collection method: curation. Allele origin: germline.
Comment: Missense variant in a coldspot region where missense variants are very unlikely to be pathogenic (PMID:31911673).

BRCA2 exon 10 coldspot. Reclassification based on statistical prior probability.

Ambry Genetics
Classification: Uncertain significance for Hereditary cancer-predisposing syndrome. Last evaluated: 2021-08-05. Review status: criteria provided, single submitter. Criteria: Ambry Variant Classification Scheme 2023. Collection method: clinical testing. Allele origin: germline.
Comment: The p.A577P variant (also known as c.1729G>C), located in coding exon 9 of the BRCA2 gene, results from a G to C substitution at nucleotide position 1729. The alanine at codon 577 is replaced by proline, an amino acid with highly similar properties. This amino acid position is not well conserved in available vertebrate species. In addition, this alteration is predicted to be tolerated by in silico analysis. Since supporting evidence is limited at this time, the clinical significance of this alteration remains unclear.